The following is an entry in ClinVar:

ClinVar aggregate classification (germline): Conflicting classifications of pathogenicity. Review status: criteria provided, conflicting classifications (1 of 4 stars). 7 submissions from 7 submitters: Uncertain significance (1); Benign (4). 2 of the submissions do not count toward it. Last evaluated 2026-01-31.

Conditions:
LRPPRC-related disorder. Also called: LRPPRC-related condition.
Congenital lactic acidosis, Saguenay-Lac-Saint-Jean type (MC4DN5). Also called: CYTOCHROME c OXIDASE DEFICIENCY, FRENCH CANADIAN TYPE; COX DEFICIENCY, FRENCH CANADIAN TYPE; MITOCHONDRIAL COMPLEX IV DEFICIENCY, NUCLEAR TYPE 5. Identifiers: Orphanet 70472, MedGen C1857355, MONDO:0009069, OMIM 220111.

Allele frequency attached by ClinVar (database versions not stated): ESP Exome Variant Server 0.00404; gnomAD 0.00819; TOPMed 0.00947; 1000 Genomes Project 0.00978; 1000 Genomes Project 30x 0.01187.

Submissions (7):

Labcorp Genetics (formerly Invitae), Labcorp
Classification: Benign. Last evaluated: 2026-01-31. Review status: criteria provided, single submitter. Criteria: Invitae Variant Classification Sherloc (09022015). Collection method: clinical testing. Allele origin: germline.

Mayo Clinic Laboratories, Mayo Clinic
Classification: Benign. Last evaluated: 2019-10-17. Review status: criteria provided, single submitter. Criteria: ACMG Guidelines, 2015. Collection method: clinical testing. Allele origin: germline. Observed: 6 variant alleles.

Illumina Laboratory Services, Illumina
Classification: Uncertain significance for Congenital lactic acidosis, Saguenay-Lac-Saint-Jean type. Last evaluated: 2018-01-13. Review status: criteria provided, single submitter. Criteria: ICSL Variant Classification Criteria 13 December 2019. Collection method: clinical testing. Allele origin: germline.

ARUP Laboratories, Molecular Genetics and Genomics, ARUP Laboratories
Classification: Benign. Last evaluated: 2017-06-23. Review status: criteria provided, single submitter. Criteria: ARUP Molecular Germline Variant Investigation Process. Collection method: clinical testing. Allele origin: germline.

GeneDx
Classification: Benign. Last evaluated: 2014-06-09. Review status: criteria provided, single submitter. Criteria: GeneDx Variant Classification (06012015). Collection method: clinical testing. Allele origin: germline. Affected: yes.
Comment: This variant is considered likely benign or benign based on one or more of the following criteria: it is a conservative change, it occurs at a poorly conserved position in the protein, it is predicted to be benign by multiple in silico algorithms, and/or has population frequency not consistent with disease.

Natera, Inc.
Classification: Benign for French-Canadian type Leigh syndrome. Last evaluated: 2020-09-16. Review status: no assertion criteria provided. Collection method: clinical testing. Allele origin: germline. Not counted in ClinVar's aggregate classification.

PreventionGenetics, part of Exact Sciences
Classification: Benign for LRPPRC-related condition. Last evaluated: 2019-09-26. Review status: no assertion criteria provided. Collection method: clinical testing. Allele origin: germline. Not counted in ClinVar's aggregate classification.
Comment: This variant is classified as benign based on ACMG/AMP sequence variant interpretation guidelines (Richards et al. 2015 PMID: 25741868, with internal and published modifications).

NM_133259.4(LRPPRC):c.79C>T (p.Leu27Phe)

Gene: LRPPRC (leucine rich pentatricopeptide repeat containing; minus strand). Cytogenetic location: 2p21.
Variant type: single nucleotide variant.
Coding change: c.79C>T on transcript NM_133259.4 (MANE Select); coding-DNA position 79, C replaced by T.
Protein change: p.Leu27Phe; replaces leucine 27 with phenylalanine.
Molecular consequence: missense variant.
Genome position (GRCh38, 1-based): chr2:43,995,869, G>A on the plus strand (C>T on the coding strand, the complement: LRPPRC is on the minus strand). VCF-style: chr2-43995869-G-A. GRCh37 (hg19) VCF-style: chr2-44223008-G-A.
Other names: p.L27F:CTC>TTC; short protein forms L27F.
Identifiers: ClinVar variation 214591 (VCV000214591.26), dbSNP rs116727742, ClinGen allele CA324529.
Genomic context (GRCh38, chr2:43,995,869, plus strand): 5'-GCCCGGCGCGAGCGGCGGGCAGATAGGAGGCGGCATGCAGCCGGCCCGGGCCGCCAGGGA[G>A]GAGGCGCAGGGAGAGCGGGAGGCGCGGGGCCGCCCCGGCACGCAGCAACCAACGCGCGGA-3'
Protein context (NP_573566.2, residues 17-37): APRLPLSLRL[Leu27Phe]PGGPGRLHAA